The following is an entry in ClinVar:

ClinVar aggregate classification (germline): Pathogenic (1 of 4 stars; one submission).

Conditions:
Carney complex, type 1 (CNC1). Also called: CARNEY COMPLEX, TYPE I; CARNEY MYXOMA-ENDOCRINE COMPLEX. Identifiers: Orphanet 1359, MedGen C2607929, MONDO:0008057, OMIM 160980.

Submission:

Labcorp Genetics (formerly Invitae), Labcorp
Classification: Pathogenic for Carney complex, type 1. Last evaluated: 2018-05-02. Review status: criteria provided, single submitter. Criteria: Invitae Variant Classification Sherloc (09022015). Collection method: clinical testing. Allele origin: germline.
Comment: This sequence change creates a premature translational stop signal (p.Val221Glufs*11) in the PRKAR1A gene. It is expected to result in an absent or disrupted protein product. This variant is not present in population databases (ExAC no frequency). This variant has not been reported in the literature in individuals with PRKAR1A-related disease. Loss-of-function variants in PRKAR1A are known to be pathogenic (PMID: 11115848, 19293268). For these reasons, this variant has been classified as Pathogenic.

Literature cited by the submitters: PubMed 11115848; PubMed 19293268.

NM_002734.5(PRKAR1A):c.662_663del (p.Val221fs)

Gene: PRKAR1A (protein kinase cAMP-dependent type I regulatory subunit alpha; plus strand). Cytogenetic location: 17q24.2.
Variant type: Microsatellite.
Coding change: c.662_663del on transcript NM_002734.5 (MANE Select); coding-DNA positions 662 to 663, 2 bases deleted (TG; older notation c.662_663delTG).
Protein change: p.Val221fs; shifts the reading frame from valine 221.
Molecular consequence: frameshift variant.
Genome position (GRCh38, 1-based): chr17:68,525,866-68,525,867, TG deleted; deleting any 2 consecutive bases within chr17:68,525,864-68,525,867 gives the same sequence; the c. name uses the placement nearest the transcript's 3' end. VCF-style (leftmost placement, unchanged base first): chr17-68525863-ATG-A. GRCh37 (hg19) VCF-style: chr17-66522004-ATG-A.
Other names: c.662_663del, p.Val221fs (NM_001276289.2, NM_001276290.1, NM_001278433.2 and 4 more transcripts); c.662_663delTG (NM_002734.4); short protein forms V221fs.
Identifiers: ClinVar variation 570680 (VCV000570680.7), dbSNP rs1568698487, ClinGen allele CA891844463.